The following is an entry in ClinVar:

NM_000059.4(BRCA2):c.6515C>G (p.Ser2172Ter)

Gene: BRCA2 (BRCA2 DNA repair associated; plus strand). Cytogenetic location: 13q13.1.
Variant type: single nucleotide variant.
Coding change: c.6515C>G on transcript NM_000059.4 (MANE Select); coding-DNA position 6515, C replaced by G.
Protein change: p.Ser2172Ter; replaces serine 2172 with a stop codon.
Molecular consequence: nonsense. On other transcripts: non-coding transcript variant (1), intron variant (2).
Genome position (GRCh38, 1-based): chr13:32,340,870, C>G. VCF-style: chr13-32340870-C-G. GRCh37 (hg19) VCF-style: chr13-32915007-C-G.
Other names: c.6515C>G, p.Ser2172Ter (NM_001406719.1, NM_001406720.1, NM_001432077.1); c.1910-3688C>G (NM_001406721.1); c.425-3688C>G (NM_001406722.1); short protein forms S2172*.
Identifiers: ClinVar variation 4813430 (VCV004813430.1).

ClinVar aggregate classification (germline): Pathogenic (1 of 4 stars; one submission).

Conditions:
Breast-ovarian cancer, familial, susceptibility to, 2 (BROVCA2). Also called: BRCA2 Hereditary Breast and Ovarian Cancer. Identifiers: Orphanet 145, MedGen C2675520, MONDO:0012933, OMIM 612555. Disease mechanism: loss of function.

Submission:

MVZ Praenatalmedizin und Genetik Nuernberg
Classification: Pathogenic for Breast-ovarian cancer, familial, susceptibility to, 2. Last evaluated: 2023-11-20. Review status: criteria provided, single submitter. Criteria: ACMG Guidelines, 2015. Collection method: clinical testing. Allele origin: germline. Affected: yes.
Comment: This C>G mutation has not yet been described in the ClinVar database. It leads to a premature stop codon in exon 11 and is therefore considered pathogenic. Another substitution (C>A) at the same position with the same effect at the protein level (p.Ser2172Ter) is described in ClinVar and has been assessed as pathogenic by a panel of experts. There is therefore no doubt about the pathogenicity of the C>G mutation.